The following is an entry in ClinVar:

ClinVar aggregate classification (germline): Pathogenic/Likely pathogenic. Review status: criteria provided, multiple submitters, no conflicts (2 of 4 stars). 5 submissions from 5 submitters: Pathogenic (3); Likely pathogenic (1). 1 of the submissions does not count toward it. Last evaluated 2025-02-23.

Conditions:
46 XY differences of sex development. Also called: 46, XY disorder of sex development (DSD); 46,XY disorder of sex development. Identifiers: Orphanet 98085, MedGen C2751824, MONDO:0020040.
Oligosynaptic infertility (SPGF1). Also called: OLIGOCHIASMATIC INFERTILITY; SPERMATOGENIC FAILURE 1. Identifiers: MedGen C0403810, MONDO:0009776, OMIM 258150.
NR5A1-related disorder. Also called: NR5A1-related condition.
Genetic non-acquired premature ovarian failure. Identifiers: Orphanet 485382, MedGen C5925042.

Submissions (5):

PreventionGenetics, part of Exact Sciences
Classification: Pathogenic for NR5A1-related condition. Last evaluated: 2025-02-23. Review status: criteria provided, single submitter. Criteria: ACMG Guidelines, 2015. Collection method: clinical testing. Allele origin: germline.
Comment: The NR5A1 c.938G>A variant is predicted to result in the amino acid substitution p.Arg313His. This variant has been reported in XY individuals with disorders of sex development (see, for example, Ciaccio et al. 2012. PubMed ID: 22907560; Song et al. 2018. PubMed ID: 30425642), and in XX individuals with premature ovarian insufficiency (Luo et al. 2023. PubMed ID: 36793102). It has been reported to occur de novo (Song et al. 2018. PubMed ID: 30425642; van Bever et al. 2023. PubMed ID: 35808910). Variable degrees of severity have been described in family members carrying this variant (Ciaccio et al. 2012. PubMed ID: 22907560), and in another family, affected twins inherited the variant from their apparently healthy father (Adamovic et al. 2012. PubMed ID: 23154282). In vitro experimental studies indicate this variant impairs transactivation activity compared to wild type (Pérez Garrido et al. 2015. doi: 10.16966/2380-548X.117). This variant has not been reported in a large population database (gnomAD), indicating it is rare. Other missense variants affecting the same amino acid (p.Arg313Cys, p.Arg313Leu) have also been reported in individuals with disorders of sex development (Allali et al. 2011. PubMed ID: 22028768; Kouri et al. 2024. PubMed ID: 38168586). This variant is interpreted as pathogenic.

Labcorp Genetics (formerly Invitae), Labcorp
Classification: Pathogenic for 46 XY differences of sex development; Oligosynaptic infertility. Last evaluated: 2021-12-27. Review status: criteria provided, single submitter. Criteria: Invitae Variant Classification Sherloc (09022015). Collection method: clinical testing. Allele origin: germline.
Comment: For these reasons, this variant has been classified as Pathogenic. This variant disrupts the p.Arg313 amino acid residue in NR5A1. Other variant(s) that disrupt this residue have been determined to be pathogenic (PMID: 22028768, 25122490, 27169744, 30425642). This suggests that this residue is clinically significant, and that variants that disrupt this residue are likely to be disease-causing. Algorithms developed to predict the effect of missense changes on protein structure and function (SIFT, PolyPhen-2, Align-GVGD) all suggest that this variant is likely to be disruptive. ClinVar contains an entry for this variant (Variation ID: 449434). This missense change has been observed in individual(s) with NR5A1-related conditions (PMID: 22907560, 30425642). In at least one individual the variant was observed to be de novo. It has also been observed to segregate with disease in related individuals. This variant is not present in population databases (gnomAD no frequency). This sequence change replaces arginine, which is basic and polar, with histidine, which is basic and polar, at codon 313 of the NR5A1 protein (p.Arg313His).

Revvity Omics, Revvity
Classification: Likely pathogenic. Last evaluated: 2021-11-01. Review status: criteria provided, single submitter. Criteria: ACMG Guidelines, 2015. Collection method: clinical testing. Allele origin: germline.

GeneDx
Classification: Pathogenic. Last evaluated: 2019-12-24. Review status: criteria provided, single submitter. Criteria: GeneDx Variant Classification Process June 2021. Collection method: clinical testing. Allele origin: germline. Affected: yes.
Comment: Published functional studies demonstrate that this variant results in impaired transactivation activity and structural alteration at functional domains (Perez Garrido et al., 2015); Not observed in large population cohorts (Lek et al., 2016); In silico analysis, which includes protein predictors and evolutionary conservation, supports a deleterious effect; Reported previously in association with severe hypospadias and variable micropenis and cryptorchidism in at least one family, affected males inherited the variant from their unaffected father (Adamovic et al., 2012); This variant is associated with the following publications: (PMID: 25160005, 23154282, 22907560, 22100173, 30425642)

Center for Reproductive Medicine, Shandong Provincial Hospital Affiliated to Shandong University
Classification: Pathogenic for Genetic non-acquired premature ovarian failure. Last evaluated: 2019-10-01. Review status: no assertion criteria provided. Collection method: research. Allele origin: unknown. Affected: yes. Observed: 1 variant allele. Not counted in ClinVar's aggregate classification.

Literature cited by the submitters: PubMed 22028768 (cited by Labcorp Genetics (formerly Invitae), Labcorp); PubMed 25122490 (cited by Labcorp Genetics (formerly Invitae), Labcorp); PubMed 27169744 (cited by Labcorp Genetics (formerly Invitae), Labcorp); PubMed 30425642 (cited by Labcorp Genetics (formerly Invitae), Labcorp); PubMed 22907560 (cited by Labcorp Genetics (formerly Invitae), Labcorp).

NM_004959.5(NR5A1):c.938G>A (p.Arg313His)

Gene: NR5A1 (nuclear receptor subfamily 5 group A member 1; minus strand). Cytogenetic location: 9q33.3.
Variant type: single nucleotide variant.
Coding change: c.938G>A on transcript NM_004959.5 (MANE Select); coding-DNA position 938, G replaced by A.
Protein change: p.Arg313His; replaces arginine 313 with histidine.
Molecular consequence: missense variant.
Genome position (GRCh38, 1-based): chr9:124,493,082, C>T on the plus strand (G>A on the coding strand, the complement: NR5A1 is on the minus strand). VCF-style: chr9-124493082-C-T. GRCh37 (hg19) VCF-style: chr9-127255361-C-T.
Other names: short protein forms R313H.
Identifiers: ClinVar variation 449434 (VCV000449434.14), dbSNP rs1554721235, ClinGen allele CA374882277.